The following is an entry in ClinVar:

NM_017662.5(TRPM6):c.1421G>A (p.Arg474Gln)

Gene: TRPM6 (transient receptor potential cation channel subfamily M member 6; minus strand). Cytogenetic location: 9q21.13.
Variant type: single nucleotide variant.
Coding change: c.1421G>A on transcript NM_017662.5 (MANE Select); coding-DNA position 1421, G replaced by A.
Protein change: p.Arg474Gln; replaces arginine 474 with glutamine.
Molecular consequence: missense variant.
Genome position (GRCh38, 1-based): chr9:74,812,321, C>T on the plus strand (G>A on the coding strand, the complement: TRPM6 is on the minus strand). VCF-style: chr9-74812321-C-T. GRCh37 (hg19) VCF-style: chr9-77427237-C-T.
Other names: c.1406G>A, p.Arg469Gln (NM_001177310.2, NM_001177311.2); short protein forms R469Q, R474Q.
Identifiers: ClinVar variation 733733 (VCV000733733.14), dbSNP rs142043309, ClinGen allele CA5084850.
Genomic context (GRCh38, chr9:74,812,321, plus strand): 5'-TCTGGAGGGAAATGATTGATGAAATGTTCCATACTCACTGTATTGTAGAGCTCTTCCAGT[C>T]GAGGGATGGTAAGAAAGCGATGGAGGTTCACTCCATATTCTATTAAGAGCTTCACAAAAT-3'
Protein context (NP_060132.3, residues 464-484): VNLHRFLTIP[Arg474Gln]LEELYNTKQG

ClinVar aggregate classification (germline): Conflicting classifications of pathogenicity. Review status: criteria provided, conflicting classifications (1 of 4 stars). 6 submissions from 6 submitters: Uncertain significance (1); Likely benign (4). 1 of the submissions does not count toward it. Last evaluated 2026-01-18.

Conditions:
Inborn genetic diseases. Identifiers: MedGen C0950123, MeSH D030342.
TRPM6-related disorder. Also called: TRPM6-related condition.

Allele frequency attached by ClinVar (database versions not stated): gnomAD exomes 0.00022 and 0.00063; ExAC 0.00079; 1000 Genomes Project 0.00220; gnomAD 0.00234 and 0.00251; TOPMed 0.00274; 1000 Genomes Project 30x 0.00281; ESP Exome Variant Server 0.00338.
gnomAD v4.1: 678 of 1,613,694 alleles (0.042%); highest among the groups gnomAD compares: African/African-American, 0.83%; 2 homozygotes.

Submissions (6):

Labcorp Genetics (formerly Invitae), Labcorp
Classification: Likely benign. Last evaluated: 2026-01-18. Review status: criteria provided, single submitter. Criteria: Invitae Variant Classification Sherloc (09022015). Collection method: clinical testing. Allele origin: germline.

Ambry Genetics
Classification: Likely benign for Inborn genetic diseases. Last evaluated: 2025-08-21. Review status: criteria provided, single submitter. Criteria: Ambry Variant Classification Scheme 2023. Collection method: clinical testing. Allele origin: germline.

Blueprint Genetics
Classification: Likely benign. Last evaluated: 2024-09-18. Review status: criteria provided, single submitter. Criteria: ACMG Guidelines, 2015. Collection method: clinical testing. Allele origin: germline.

GeneDx
Classification: Uncertain significance. Last evaluated: 2023-03-10. Review status: criteria provided, single submitter. Criteria: GeneDx Variant Classification Process June 2021. Collection method: clinical testing. Allele origin: germline. Affected: yes.
Comment: In silico analysis supports that this missense variant has a deleterious effect on protein structure/function; Has not been previously published as pathogenic or benign to our knowledge

Breakthrough Genomics
Classification: Likely benign. Review status: criteria provided, single submitter. Criteria: ACMG Guidelines, 2015. Collection method: not provided. Allele origin: germline. Inheritance: Autosomal recessive inheritance. Affected: yes.

PreventionGenetics, part of Exact Sciences
Classification: Benign for TRPM6-related condition. Last evaluated: 2020-02-27. Review status: no assertion criteria provided. Collection method: clinical testing. Allele origin: germline. Not counted in ClinVar's aggregate classification.
Comment: This variant is classified as benign based on ACMG/AMP sequence variant interpretation guidelines (Richards et al. 2015 PMID: 25741868, with internal and published modifications).